The following is an entry in ClinVar:

NM_005732.4(RAD50):c.3214A>C (p.Asn1072His)

Gene: RAD50 (RAD50 double strand break repair protein; plus strand). Cytogenetic location: 5q31.1.
Variant type: single nucleotide variant.
Coding change: c.3214A>C on transcript NM_005732.4 (MANE Select); coding-DNA position 3214, A replaced by C.
Protein change: p.Asn1072His; replaces asparagine 1072 with histidine.
Molecular consequence: missense variant.
Genome position (GRCh38, 1-based): chr5:132,618,119, A>C. VCF-style: chr5-132618119-A-C. GRCh37 (hg19) VCF-style: chr5-131953811-A-C.
Other names: c.3214A>C (NM_005732.3); short protein forms N1072H.
Identifiers: ClinVar variation 1016547 (VCV001016547.10), dbSNP rs867139420, ClinGen allele CA360964355.

ClinVar aggregate classification (germline): Uncertain significance. Review status: criteria provided, multiple submitters, no conflicts (2 of 4 stars). 2 submissions from 2 submitters: Uncertain significance (2). Last evaluated 2024-06-18.

Conditions:
Hereditary cancer-predisposing syndrome. Also called: Hereditary Cancer Syndrome; Tumor predisposition; Neoplastic Syndromes, Hereditary; Hereditary neoplastic syndrome. Identifiers: Orphanet 140162, MedGen C0027672, MeSH D009386, MONDO:0015356.

Submissions (2):

Ambry Genetics
Classification: Uncertain significance for Hereditary cancer-predisposing syndrome. Last evaluated: 2024-06-18. Review status: criteria provided, single submitter. Criteria: Ambry Variant Classification Scheme 2023. Collection method: clinical testing. Allele origin: germline.
Comment: The p.N1072H variant (also known as c.3214A>C), located in coding exon 21 of the RAD50 gene, results from an A to C substitution at nucleotide position 3214. The asparagine at codon 1072 is replaced by histidine, an amino acid with similar properties. This amino acid position is conserved. In addition, this alteration is predicted to be tolerated by in silico analysis. Based on the available evidence, the clinical significance of this variant remains unclear.

Labcorp Genetics (formerly Invitae), Labcorp
Classification: Uncertain significance for Hereditary cancer-predisposing syndrome. Last evaluated: 2021-02-19. Review status: criteria provided, single submitter. Criteria: Invitae Variant Classification Sherloc (09022015). Collection method: clinical testing. Allele origin: germline.
Comment: This sequence change replaces asparagine with histidine at codon 1072 of the RAD50 protein (p.Asn1072His). The asparagine residue is weakly conserved and there is a small physicochemical difference between asparagine and histidine. This variant is not present in population databases (ExAC no frequency). This variant has not been reported in the literature in individuals with RAD50-related conditions. Algorithms developed to predict the effect of missense changes on protein structure and function (SIFT, PolyPhen-2, Align-GVGD) all suggest that this variant is likely to be tolerated, but these predictions have not been confirmed by published functional studies and their clinical significance is uncertain. In summary, the available evidence is currently insufficient to determine the role of this variant in disease. Therefore, it has been classified as a Variant of Uncertain Significance.